The following is an entry in ClinVar:

ClinVar aggregate classification (germline): Conflicting classifications of pathogenicity. Review status: criteria provided, conflicting classifications (1 of 4 stars). 2 submissions from 2 submitters: Uncertain significance (1); Likely benign (1). Last evaluated 2025-08-05.

Allele frequency attached by ClinVar (database versions not stated): ESP Exome Variant Server 0.00015; 1000 Genomes Project 0.00040; 1000 Genomes Project 30x 0.00047.
gnomAD v4.1: 109 of 1,613,708 alleles (0.0068%); highest among the groups gnomAD compares: Admixed American, 0.037%; no homozygotes.

Submissions (2):

Ambry Genetics
Classification: Uncertain significance. Last evaluated: 2025-08-05. Review status: criteria provided, single submitter. Criteria: Ambry Variant Classification Scheme 2023. Collection method: clinical testing. Allele origin: germline.

CeGaT Center for Human Genetics Tuebingen
Classification: Likely benign. Last evaluated: 2023-01-01. Review status: criteria provided, single submitter. Criteria: CeGaT Center For Human Genetics Tuebingen Variant Classification Criteria Version 2. Collection method: clinical testing. Allele origin: germline. Affected: yes. Observed: 1 variant allele.
Comment: NELL1: BP4, BS1

NM_006157.5(NELL1):c.1159C>T (p.Arg387Cys)

Gene: NELL1 (neural EGFL like 1; plus strand). Cytogenetic location: 11p15.1.
Variant type: single nucleotide variant.
Coding change: c.1159C>T on transcript NM_006157.5 (MANE Select); coding-DNA position 1159, C replaced by T.
Protein change: p.Arg387Cys; replaces arginine 387 with cysteine.
Molecular consequence: missense variant.
Genome position (GRCh38, 1-based): chr11:20,947,423, C>T. VCF-style: chr11-20947423-C-T. GRCh37 (hg19) VCF-style: chr11-20968969-C-T.
Other names: c.1243C>T, p.Arg415Cys (NM_001288713.1); c.988C>T, p.Arg330Cys (NM_001288714.1); c.1159C>T, p.Arg387Cys (NM_201551.2); short protein forms R330C, R415C, R387C.
Identifiers: ClinVar variation 2509393 (VCV002509393.27), dbSNP rs200601314, ClinGen allele CA5922245.